The following is an entry in ClinVar:

NM_000255.4(MMUT):c.2122C>T (p.Gln708Ter)

Gene: MMUT (methylmalonyl-CoA mutase; minus strand). Cytogenetic location: 6p12.3.
Variant type: single nucleotide variant.
Coding change: c.2122C>T on transcript NM_000255.4 (MANE Select); coding-DNA position 2122, C replaced by T.
Protein change: p.Gln708Ter; replaces glutamine 708 with a stop codon.
Molecular consequence: nonsense.
Genome position (GRCh38, 1-based): chr6:49,435,458, G>A on the plus strand (C>T on the coding strand, the complement: MMUT is on the minus strand). VCF-style: chr6-49435458-G-A. GRCh37 (hg19) VCF-style: chr6-49403171-G-A.
Other names: short protein forms Q708*.
Identifiers: ClinVar variation 1363286 (VCV001363286.8), dbSNP rs1767095714, ClinGen allele CA364394185.
Genomic context (GRCh38, chr6:49,435,458, plus strand): 5'-AAGCTATCATTACTCAAGATTCCCATCACAGTACTAGAAAAATAGAGATAAAAAATACCT[G>A]AGGTGGTATCACCCCTCCACACATGACAAGAATATCTGGCCGTCCAAGGGAGTTAAGTTC-3'

ClinVar aggregate classification (germline): Pathogenic (1 of 4 stars; one submission).

Submission:

Labcorp Genetics (formerly Invitae), Labcorp
Classification: Pathogenic. Last evaluated: 2021-03-17. Review status: criteria provided, single submitter. Criteria: Invitae Variant Classification Sherloc (09022015). Collection method: clinical testing. Allele origin: germline.
Comment: For these reasons, this variant has been classified as Pathogenic. This variant disrupts the C-terminus of the MUT protein. Other variant(s) that disrupt this region (p.Ala732Glyfs*6) have been determined to be pathogenic (Invitae). This suggests that variants that disrupt this region of the protein are likely to be causative of disease. This variant has not been reported in the literature in individuals with MUT-related conditions. This variant is not present in population databases (ExAC no frequency). This sequence change creates a premature translational stop signal (p.Gln708*) in the MUT gene. While this is not anticipated to result in nonsense mediated decay, it is expected to disrupt the last 43 amino acid(s) of the MUT protein.